The following is an entry in ClinVar:

ClinVar aggregate classification (germline): Likely benign (0 of 4 stars; one submission).

Conditions:
SEMA3F-related disorder. Also called: SEMA3F-related condition.

gnomAD v4.1: 4 of 1,614,118 alleles (0.00025%); highest among the groups gnomAD compares: Non-Finnish European, 0.00034%; no homozygotes.

Submission:

PreventionGenetics, part of Exact Sciences
Classification: Likely benign for SEMA3F-related condition. Last evaluated: 2023-02-16. Review status: no assertion criteria provided. Collection method: clinical testing. Allele origin: germline.
Comment: This variant is classified as likely benign based on ACMG/AMP sequence variant interpretation guidelines (Richards et al. 2015 PMID: 25741868, with internal and published modifications).

NM_004186.5(SEMA3F):c.666G>A (p.Val222=)

Gene: SEMA3F (semaphorin 3F; plus strand). Cytogenetic location: 3p21.31.
Variant type: single nucleotide variant.
Coding change: c.666G>A on transcript NM_004186.5 (MANE Select); coding-DNA position 666, G replaced by A.
Protein change: p.Val222=; no amino-acid change (valine 222 retained).
Molecular consequence: synonymous variant.
Genome position (GRCh38, 1-based): chr3:50,182,306, G>A. VCF-style: chr3-50182306-G-A. GRCh37 (hg19) VCF-style: chr3-50219739-G-A.
Other names: c.369G>A, p.Val123= (NM_001318798.2); c.573G>A, p.Val191= (NM_001318800.2).
Identifiers: ClinVar variation 3355999 (VCV003355999.1).